The following is an entry in ClinVar:

ClinVar aggregate classification (germline): Likely benign (1 of 4 stars; one submission).

Allele frequency attached by ClinVar (database versions not stated): ExAC 0.00022; gnomAD 0.00026; gnomAD exomes 0.00031 and 0.00052; TOPMed 0.00031; ESP Exome Variant Server 0.00067.
gnomAD v4.1: 717 of 1,452,234 alleles (0.049%); highest among the groups gnomAD compares: Non-Finnish European, 0.062%; 1 homozygote.

Submission:

GeneDx
Classification: Likely benign. Last evaluated: 2017-02-06. Review status: criteria provided, single submitter. Criteria: GeneDx Variant Classification (06012015). Collection method: clinical testing. Allele origin: germline. Affected: yes.
Comment: This variant is considered likely benign or benign based on one or more of the following criteria: it is a conservative change, it occurs at a poorly conserved position in the protein, it is predicted to be benign by multiple in silico algorithms, and/or has population frequency not consistent with disease.

NM_145199.3(LIPT1):c.*15C>T

Genes: LIPT1 (lipoyltransferase 1; plus strand), MITD1 (microtubule interacting and trafficking domain containing 1; minus strand). Cytogenetic location: 2q11.2.
Variant type: single nucleotide variant.
Coding change: c.*15C>T on transcript NM_145199.3 (MANE Select); 15 bases downstream of the stop codon, C replaced by T.
Molecular consequence: 3 prime UTR variant. On other transcripts: non-coding transcript variant (2).
Genome position (GRCh38, 1-based): chr2:99,163,094, C>T. VCF-style: chr2-99163094-C-T. GRCh37 (hg19) VCF-style: chr2-99779557-C-T.
Other names: c.*15C>T (NM_001204830.2, NM_015929.4, NM_145197.3 and 1 more transcripts).
Identifiers: ClinVar variation 387253 (VCV000387253.1), dbSNP rs367721527, ClinGen allele CA1797442.